The following is an entry in ClinVar:

ClinVar aggregate classification (germline): Uncertain significance. Review status: criteria provided, multiple submitters, no conflicts (2 of 4 stars). 2 submissions from 2 submitters: Uncertain significance (2). Last evaluated 2024-11-28.

Conditions:
Inborn genetic diseases. Identifiers: MedGen C0950123, MeSH D030342.

gnomAD v4.1: 3 of 1,613,642 alleles (0.00019%); highest among the groups gnomAD compares: African/African-American, 0.004%; no homozygotes.

Submissions (2):

Ambry Genetics
Classification: Uncertain significance for Inborn genetic diseases. Last evaluated: 2024-11-28. Review status: criteria provided, single submitter. Criteria: Ambry Variant Classification Scheme 2023. Collection method: clinical testing. Allele origin: germline.
Comment: The p.G1196R variant (also known as c.3586G>C), located in coding exon 1 of the SAMD9 gene, results from a G to C substitution at nucleotide position 3586. The glycine at codon 1196 is replaced by arginine, an amino acid with dissimilar properties. This amino acid position is conserved. In addition, the in silico prediction for this alteration is inconclusive. Based on the available evidence, the clinical significance of this variant remains unclear.

Labcorp Genetics (formerly Invitae), Labcorp
Classification: Uncertain significance. Last evaluated: 2024-02-01. Review status: criteria provided, single submitter. Criteria: Invitae Variant Classification Sherloc (09022015). Collection method: clinical testing. Allele origin: germline.
Comment: This sequence change replaces glycine, which is neutral and non-polar, with arginine, which is basic and polar, at codon 1196 of the SAMD9 protein (p.Gly1196Arg). This variant is not present in population databases (gnomAD no frequency). This variant has not been reported in the literature in individuals affected with SAMD9-related conditions. Advanced modeling of protein sequence and biophysical properties (such as structural, functional, and spatial information, amino acid conservation, physicochemical variation, residue mobility, and thermodynamic stability) has been performed at Invitae for this missense variant, however the output from this modeling did not meet the statistical confidence thresholds required to predict the impact of this variant on SAMD9 protein function. In summary, the available evidence is currently insufficient to determine the role of this variant in disease. Therefore, it has been classified as a Variant of Uncertain Significance.

NM_017654.4(SAMD9):c.3586G>C (p.Gly1196Arg)

Gene: SAMD9 (sterile alpha motif domain containing 9; minus strand). Cytogenetic location: 7q21.2.
Variant type: single nucleotide variant.
Coding change: c.3586G>C on transcript NM_017654.4 (MANE Select); coding-DNA position 3586, G replaced by C.
Protein change: p.Gly1196Arg; replaces glycine 1196 with arginine.
Molecular consequence: missense variant.
Genome position (GRCh38, 1-based): chr7:93,102,512, C>G on the plus strand (G>C on the coding strand, the complement: SAMD9 is on the minus strand). VCF-style: chr7-93102512-C-G. GRCh37 (hg19) VCF-style: chr7-92731825-C-G.
Other names: c.3586G>C, p.Gly1196Arg (NM_001193307.2); short protein forms G1196R.
Identifiers: ClinVar variation 3437055 (VCV003437055.3).